The following is an entry in ClinVar:

NM_001367479.1(DNAH14):c.10462C>T (p.Pro3488Ser)

Gene: DNAH14 (dynein axonemal heavy chain 14; plus strand). Cytogenetic location: 1q42.12.
Variant type: single nucleotide variant.
Coding change: c.10462C>T on transcript NM_001367479.1 (MANE Select); coding-DNA position 10462, C replaced by T.
Protein change: p.Pro3488Ser; replaces proline 3488 with serine.
Molecular consequence: missense variant.
Genome position (GRCh38, 1-based): chr1:225,340,485, C>T. VCF-style: chr1-225340485-C-T. GRCh37 (hg19) VCF-style: chr1-225528187-C-T.
Other names: NM_001373.1:c.10183C>T; short protein forms P3488S.
Identifiers: ClinVar variation 3392584 (VCV003392584.1).

ClinVar aggregate classification (germline): Uncertain significance (1 of 4 stars; one submission).

gnomAD v4.1: 52 of 1,550,548 alleles (0.0034%); highest among the groups gnomAD compares: Admixed American, 0.043%; no homozygotes.

Submission:

GeneDx
Classification: Uncertain significance. Last evaluated: 2024-06-27. Review status: criteria provided, single submitter. Criteria: GeneDx Variant Classification Process June 2021. Collection method: clinical testing. Allele origin: germline. Affected: yes.
Comment: In silico analysis supports that this missense variant has a deleterious effect on protein structure/function; Has not been previously published as pathogenic or benign to our knowledge